The following is an entry in ClinVar:

ClinVar aggregate classification (germline): Likely benign (1 of 4 stars; one submission).

Allele frequency attached by ClinVar (database versions not stated): ExAC 0.00008; TOPMed below 0.00001; gnomAD 0.00001.
gnomAD v4.1: 10 of 1,563,944 alleles (0.00064%); highest among the groups gnomAD compares: South Asian, 0.0082%; no homozygotes.

Submission:

GeneDx
Classification: Likely benign. Last evaluated: 2016-09-27. Review status: criteria provided, single submitter. Criteria: GeneDx Variant Classification (06012015). Collection method: clinical testing. Allele origin: germline. Affected: yes.
Comment: This variant is considered likely benign or benign based on one or more of the following criteria: it is a conservative change, it occurs at a poorly conserved position in the protein, it is predicted to be benign by multiple in silico algorithms, and/or has population frequency not consistent with disease.

NM_002206.3(ITGA7):c.-9G>A

Gene: ITGA7 (integrin subunit alpha 7; minus strand). Cytogenetic location: 12q13.2.
Variant type: single nucleotide variant.
Coding change: c.-9G>A on transcript NM_002206.3 (MANE Select); 9 bases upstream of the start codon, G replaced by A.
Molecular consequence: 5 prime UTR variant. On other transcripts: intron variant (3).
Genome position (GRCh38, 1-based): chr12:55,707,691, C>T on the plus strand (G>A on the coding strand, the complement: ITGA7 is on the minus strand). VCF-style: chr12-55707691-C-T. GRCh37 (hg19) VCF-style: chr12-56101475-C-T.
Other names: c.-9G>A (NM_001144996.2, NM_001374465.1, NM_001410977.1 and 6 more transcripts); c.-1181G>A (NM_001367994.1); c.85+4372G>A (NM_001144997.2); c.-134+4372G>A (NM_001367993.1, NM_001414035.1).
Identifiers: ClinVar variation 389359 (VCV000389359.1), dbSNP rs755539302, ClinGen allele CA6616483.